The following is an entry in ClinVar:

NM_001430.5(EPAS1):c.452A>G (p.Asn151Ser)

Gene: EPAS1 (endothelial PAS domain protein 1; plus strand). Cytogenetic location: 2p21.
Variant type: single nucleotide variant.
Coding change: c.452A>G on transcript NM_001430.5 (MANE Select); coding-DNA position 452, A replaced by G.
Protein change: p.Asn151Ser; replaces asparagine 151 with serine.
Molecular consequence: missense variant.
Genome position (GRCh38, 1-based): chr2:46,356,806, A>G. VCF-style: chr2-46356806-A-G. GRCh37 (hg19) VCF-style: chr2-46583945-A-G.
Other names: short protein forms N151S.
Identifiers: ClinVar variation 1741254 (VCV001741254.2), dbSNP rs2546451164, ClinGen allele CA346698393.

ClinVar aggregate classification (germline): Uncertain significance (1 of 4 stars; one submission).

Conditions:
Inborn genetic diseases. Identifiers: MedGen C0950123, MeSH D030342.

Submission:

Ambry Genetics
Classification: Uncertain significance for Inborn genetic diseases. Last evaluated: 2021-12-18. Review status: criteria provided, single submitter. Criteria: Ambry Variant Classification Scheme 2023. Collection method: clinical testing. Allele origin: germline.
Comment: The p.N151S variant (also known as c.452A>G), located in coding exon 4 of the EPAS1 gene, results from an A to G substitution at nucleotide position 452. The asparagine at codon 151 is replaced by serine, an amino acid with highly similar properties. This amino acid position is conserved. In addition, this alteration is predicted to be tolerated by in silico analysis. Since supporting evidence is limited at this time, the clinical significance of this alteration remains unclear.